The following is an entry in ClinVar:

NM_018062.4(FANCL):c.633_640del (p.Thr211_Trp212insTer)

Gene: FANCL (FA complementation group L; minus strand). Cytogenetic location: 2p16.1.
Variant type: Deletion.
Coding change: c.633_640del on transcript NM_018062.4 (MANE Select); coding-DNA positions 633 to 640, 8 bases deleted (CTGGGTAC; older notation c.633_640delCTGGGTAC).
Protein change: p.Thr211_Trp212insTer.
Molecular consequence: frameshift variant. On other transcripts: non-coding transcript variant (2).
Genome position (GRCh38, 1-based): chr2:58,165,775-58,165,782, GTACCCAG deleted on the plus strand (CTGGGTAC on the coding strand, the reverse complement: FANCL is on the minus strand); deleting any 8 consecutive bases within chr2:58,165,775-58,165,784 gives the same sequence; the c. name uses the placement nearest the transcript's 3' end. VCF-style (leftmost placement, unchanged base first): chr2-58165774-AGTACCCAG-A. GRCh37 (hg19) VCF-style: chr2-58392909-AGTACCCAG-A.
Other names: c.648_655del, p.Thr216_Trp217insTer (NM_001114636.2); c.678_685del, p.Thr226_Trp227insTer (NM_001374615.1); c.693_700del, p.Thr231_Trp232insTer (NM_001410792.1).
Identifiers: ClinVar variation 3641631 (VCV003641631.2).

ClinVar aggregate classification (germline): Pathogenic (1 of 4 stars; one submission).

Conditions:
Fanconi anemia (FA). Also called: Fanconi's anemia. Identifiers: Orphanet 84, MedGen C0015625, MeSH D005199, MONDO:0019391.

Submission:

Labcorp Genetics (formerly Invitae), Labcorp
Classification: Pathogenic for Fanconi anemia. Last evaluated: 2024-02-17. Review status: criteria provided, single submitter. Criteria: Invitae Variant Classification Sherloc (09022015). Collection method: clinical testing. Allele origin: germline.
Comment: This sequence change creates a premature translational stop signal (p.Trp212*) in the FANCL gene. It is expected to result in an absent or disrupted protein product. Loss-of-function variants in FANCL are known to be pathogenic (PMID: 19405097, 23613520). This variant is not present in population databases (gnomAD no frequency). This variant has not been reported in the literature in individuals affected with FANCL-related conditions. For these reasons, this variant has been classified as Pathogenic.

Literature cited by the submitters: PubMed 19405097; PubMed 23613520.